The following is an entry in ClinVar:

ClinVar aggregate classification (germline): Likely benign. Review status: criteria provided, multiple submitters, no conflicts (2 of 4 stars). 4 submissions from 4 submitters: Likely benign (3). 1 of the submissions does not count toward it. Last evaluated 2025-04-23.

Conditions:
Familial thoracic aortic aneurysm and aortic dissection (TAAD). Also called: Thoracic aortic aneurysms and dissections. Identifiers: Orphanet 91387, MedGen C4707243, MONDO:0019625.
Marfan syndrome (MFS). Also called: FBN1-Related Marfan Syndrome; Marfan syndrome type 1; Marfan's syndrome; Marfan syndrome, classic; MARFAN SYNDROME, TYPE I. Identifiers: Orphanet 284963, Orphanet 558, MedGen C0024796, MONDO:0007947, OMIM 154700.
FBN1-related disorder. Also called: FBN1-related disorders.

Allele frequency attached by ClinVar (database versions not stated): gnomAD exomes below 0.00001 and 0.00001.
gnomAD v4.1: 7 of 1,613,386 alleles (0.00043%); highest among the groups gnomAD compares: South Asian, 0.0077%; no homozygotes.

Submissions (4):

Women's Health and Genetics/Laboratory Corporation of America, LabCorp
Classification: Likely benign. Last evaluated: 2025-04-23. Review status: criteria provided, single submitter. Criteria: LabCorp Variant Classification Summary - May 2015. Collection method: clinical testing. Allele origin: germline.

Color Diagnostics, LLC DBA Color Health
Classification: Likely benign for Familial thoracic aortic aneurysm and aortic dissection. Last evaluated: 2024-03-19. Review status: criteria provided, single submitter. Criteria: ACMG Guidelines, 2015. Collection method: clinical testing. Allele origin: germline.

Labcorp Genetics (formerly Invitae), Labcorp
Classification: Likely benign for Marfan syndrome; Familial thoracic aortic aneurysm and aortic dissection. Last evaluated: 2023-11-25. Review status: criteria provided, single submitter. Criteria: Invitae Variant Classification Sherloc (09022015). Collection method: clinical testing. Allele origin: germline.

PreventionGenetics, part of Exact Sciences
Classification: Likely benign for FBN1-related condition. Last evaluated: 2021-04-26. Review status: no assertion criteria provided. Collection method: clinical testing. Allele origin: germline. Not counted in ClinVar's aggregate classification.
Comment: This variant is classified as likely benign based on ACMG/AMP sequence variant interpretation guidelines (Richards et al. 2015 PMID: 25741868, with internal and published modifications).

NM_000138.5(FBN1):c.2855-8T>C

Gene: FBN1 (fibrillin 1; minus strand). Cytogenetic location: 15q21.1.
Variant type: single nucleotide variant.
Coding change: c.2855-8T>C on transcript NM_000138.5 (MANE Select); 8 bases into the intron before coding-DNA position 2855, T replaced by C.
Molecular consequence: intron variant.
Genome position (GRCh38, 1-based): chr15:48,490,086, A>G on the plus strand (T>C on the coding strand, the complement: FBN1 is on the minus strand). VCF-style: chr15-48490086-A-G. GRCh37 (hg19) VCF-style: chr15-48782283-A-G.
Identifiers: ClinVar variation 36059 (VCV000036059.10), dbSNP rs193922195, ClinGen allele CA013464.
Genomic context (GRCh38, chr15:48,490,086, plus strand): 5'-CAGGGTGCACTCCTCGTCCTCGTACCTCAGGAAGCAGGTTTCCAGGCGGATATCTGTCAG[A>G]GGGAATCAAGGGAGGTTAAATAGAGCCACACGGCTTCCACTGCCCCAAACTGCCAACACT-3'